The following is an entry in ClinVar:

NC_000010.10:g.(?_79767440)_(79770318_?)del

Gene: POLR3A (RNA polymerase III subunit A; minus strand). Cytogenetic location: 10q22.3.
Variant type: Deletion.
Identifiers: ClinVar variation 2425680 (VCV002425680.4).

ClinVar aggregate classification (germline): Pathogenic (1 of 4 stars; one submission).

Submission:

Labcorp Genetics (formerly Invitae), Labcorp
Classification: Pathogenic. Last evaluated: 2023-12-18. Review status: criteria provided, single submitter. Criteria: Invitae Variant Classification Sherloc (09022015). Collection method: clinical testing. Allele origin: germline.
Comment: This variant is a gross deletion of the genomic region encompassing exon(s) 12-15 of the POLR3A gene. This deletion is out-of-frame, and is expected to create a premature termination codon and result in an absent or disrupted protein product. Loss-of-function variants in POLR3A are known to be pathogenic (PMID: 21855841, 25339210, 27612211, 30414627, 30450527). A similar copy number variant has been observed in individual(s) with Wiedemann-Rautenstrauch syndrome (PMID: 30323018). For these reasons, this variant has been classified as Pathogenic.

Literature cited by the submitters: PubMed 21855841; PubMed 25339210; PubMed 27612211; PubMed 30414627; PubMed 30450527; PubMed 30323018.